The following is an entry in ClinVar:

NM_020461.4(TUBGCP6):c.1402C>T (p.Arg468Trp)

Gene: TUBGCP6 (tubulin gamma complex component 6; minus strand). Cytogenetic location: 22q13.33.
Variant type: single nucleotide variant.
Coding change: c.1402C>T on transcript NM_020461.4 (MANE Select); coding-DNA position 1402, C replaced by T.
Protein change: p.Arg468Trp; replaces arginine 468 with tryptophan.
Molecular consequence: missense variant.
Genome position (GRCh38, 1-based): chr22:50,227,917, G>A on the plus strand (C>T on the coding strand, the complement: TUBGCP6 is on the minus strand). VCF-style: chr22-50227917-G-A. GRCh37 (hg19) VCF-style: chr22-50666346-G-A.
Other names: short protein forms R468W.
Identifiers: ClinVar variation 2071180 (VCV002071180.1), dbSNP rs541570007, ClinGen allele CA10308715.

ClinVar aggregate classification (germline): Uncertain significance (1 of 4 stars; one submission).

Allele frequency attached by ClinVar (database versions not stated): gnomAD 0.00002; TOPMed 0.00002; ExAC 0.00014; 1000 Genomes Project 30x 0.00031; 1000 Genomes Project 0.00040.
gnomAD v4.1: 52 of 1,575,640 alleles (0.0033%); highest among the groups gnomAD compares: South Asian, 0.048%; 1 homozygote.

Submission:

Labcorp Genetics (formerly Invitae), Labcorp
Classification: Uncertain significance. Last evaluated: 2022-06-14. Review status: criteria provided, single submitter. Criteria: Invitae Variant Classification Sherloc (09022015). Collection method: clinical testing. Allele origin: germline.
Comment: This sequence change replaces arginine, which is basic and polar, with tryptophan, which is neutral and slightly polar, at codon 468 of the TUBGCP6 protein (p.Arg468Trp). This variant is present in population databases (rs541570007, gnomAD 0.06%). This variant has not been reported in the literature in individuals affected with TUBGCP6-related conditions. Algorithms developed to predict the effect of missense changes on protein structure and function are either unavailable or do not agree on the potential impact of this missense change (SIFT: "Deleterious"; PolyPhen-2: "Probably Damaging"; Align-GVGD: "Class C0"). In summary, the available evidence is currently insufficient to determine the role of this variant in disease. Therefore, it has been classified as a Variant of Uncertain Significance.